The following is an entry in ClinVar:

NM_013444.4(UBQLN2):c.779G>A (p.Ser260Asn)

Gene: UBQLN2 (ubiquilin 2; plus strand). Cytogenetic location: Xp11.21.
Variant type: single nucleotide variant.
Coding change: c.779G>A on transcript NM_013444.4 (MANE Select); coding-DNA position 779, G replaced by A.
Protein change: p.Ser260Asn; replaces serine 260 with asparagine.
Molecular consequence: missense variant.
Genome position (GRCh38, 1-based): chrX:56,564,652, G>A. VCF-style: chrX-56564652-G-A. GRCh37 (hg19) VCF-style: chrX-56591085-G-A.
Other names: short protein forms S260N.
Identifiers: ClinVar variation 2818381 (VCV002818381.3), dbSNP rs2519962323, ClinGen allele CA413379129.

ClinVar aggregate classification (germline): Uncertain significance (1 of 4 stars; one submission).

Conditions:
Amyotrophic lateral sclerosis type 15. Also called: AMYOTROPHIC LATERAL SCLEROSIS 15 WITH FRONTOTEMPORAL DEMENTIA. Identifiers: Orphanet 803, MedGen C3275459, MONDO:0010459, OMIM 300857.

Submission:

Labcorp Genetics (formerly Invitae), Labcorp
Classification: Uncertain significance for Amyotrophic lateral sclerosis type 15. Last evaluated: 2022-12-03. Review status: criteria provided, single submitter. Criteria: Invitae Variant Classification Sherloc (09022015). Collection method: clinical testing. Allele origin: germline.
Comment: This sequence change replaces serine, which is neutral and polar, with asparagine, which is neutral and polar, at codon 260 of the UBQLN2 protein (p.Ser260Asn). This variant is not present in population databases (gnomAD no frequency). This variant has not been reported in the literature in individuals affected with UBQLN2-related conditions. Advanced modeling of protein sequence and biophysical properties (such as structural, functional, and spatial information, amino acid conservation, physicochemical variation, residue mobility, and thermodynamic stability) performed at Invitae indicates that this missense variant is not expected to disrupt UBQLN2 protein function. In summary, the available evidence is currently insufficient to determine the role of this variant in disease. Therefore, it has been classified as a Variant of Uncertain Significance.